The following is an entry in ClinVar:

ClinVar aggregate classification (germline): Uncertain significance (1 of 4 stars; one submission).

Conditions:
Fanconi anemia complementation group J. Also called: BRIP1-Related Fanconi Anemia. Identifiers: Orphanet 84, MedGen C1836860, MONDO:0012187, OMIM 609054.
Familial cancer of breast. Also called: hereditary breast carcinoma; Hereditary breast cancer; BREAST CANCER, FAMILIAL. Identifiers: Orphanet 227535, MedGen C0346153, MONDO:0016419, OMIM 114480. Disease mechanism: loss of function.

Submission:

Labcorp Genetics (formerly Invitae), Labcorp
Classification: Uncertain significance for Familial cancer of breast; Fanconi anemia complementation group J. Last evaluated: 2024-08-24. Review status: criteria provided, single submitter. Criteria: Invitae Variant Classification Sherloc (09022015). Collection method: clinical testing. Allele origin: germline.
Comment: This sequence change replaces asparagine, which is neutral and polar, with tyrosine, which is neutral and polar, at codon 97 of the BRIP1 protein (p.Asn97Tyr). This variant is not present in population databases (gnomAD no frequency). This variant has not been reported in the literature in individuals affected with BRIP1-related conditions. ClinVar contains an entry for this variant (Variation ID: 1504244). Invitae Evidence Modeling of protein sequence and biophysical properties (such as structural, functional, and spatial information, amino acid conservation, physicochemical variation, residue mobility, and thermodynamic stability) indicates that this missense variant is not expected to disrupt BRIP1 protein function with a negative predictive value of 80%. In summary, the available evidence is currently insufficient to determine the role of this variant in disease. Therefore, it has been classified as a Variant of Uncertain Significance.

NM_032043.3(BRIP1):c.289A>T (p.Asn97Tyr)

Gene: BRIP1 (BRCA1 interacting DNA helicase 1; minus strand). Cytogenetic location: 17q23.2.
Variant type: single nucleotide variant.
Coding change: c.289A>T on transcript NM_032043.3 (MANE Select); coding-DNA position 289, A replaced by T.
Protein change: p.Asn97Tyr; replaces asparagine 97 with tyrosine.
Molecular consequence: missense variant.
Genome position (GRCh38, 1-based): chr17:61,857,148, T>A on the plus strand (A>T on the coding strand, the complement: BRIP1 is on the minus strand). VCF-style: chr17-61857148-T-A. GRCh37 (hg19) VCF-style: chr17-59934509-T-A.
Other names: short protein forms N97Y.
Identifiers: ClinVar variation 1504244 (VCV001504244.9), dbSNP rs2078908581, ClinGen allele CA400485444.